The following is an entry in ClinVar:

ClinVar aggregate classification (germline): Uncertain significance (1 of 4 stars; one submission).

gnomAD v4.1: 1 of 1,613,280 alleles (0.000062%); highest among the groups gnomAD compares: South Asian, 0.0011%; no homozygotes.

Submission:

Labcorp Genetics (formerly Invitae), Labcorp
Classification: Uncertain significance. Last evaluated: 2024-04-17. Review status: criteria provided, single submitter. Criteria: Invitae Variant Classification Sherloc (09022015). Collection method: clinical testing. Allele origin: germline.
Comment: This sequence change replaces threonine, which is neutral and polar, with isoleucine, which is neutral and non-polar, at codon 1236 of the ERBB2 protein (p.Thr1236Ile). This variant is not present in population databases (gnomAD no frequency). This variant has not been reported in the literature in individuals affected with ERBB2-related conditions. An algorithm developed to predict the effect of missense changes on protein structure and function (PolyPhen-2) suggests that this variant is likely to be tolerated. In summary, the available evidence is currently insufficient to determine the role of this variant in disease. Therefore, it has been classified as a Variant of Uncertain Significance.

NM_004448.4(ERBB2):c.3707C>T (p.Thr1236Ile)

Gene: ERBB2 (erb-b2 receptor tyrosine kinase 2; plus strand). Cytogenetic location: 17q12.
Variant type: single nucleotide variant.
Coding change: c.3707C>T on transcript NM_004448.4 (MANE Select); coding-DNA position 3707, C replaced by T.
Protein change: p.Thr1236Ile; replaces threonine 1236 with isoleucine.
Molecular consequence: missense variant. On other transcripts: 3 prime UTR variant (2), non-coding transcript variant (1).
Genome position (GRCh38, 1-based): chr17:39,727,983, C>T. VCF-style: chr17-39727983-C-T. GRCh37 (hg19) VCF-style: chr17-37884236-C-T.
Other names: c.3659C>T, p.Thr1220Ile (NM_001382795.1); c.3620C>T, p.Thr1207Ile (NM_001382796.1); c.3608C>T, p.Thr1203Ile (NM_001382797.1); c.3551C>T, p.Thr1184Ile (NM_001382798.1); c.3527C>T, p.Thr1176Ile (NM_001382799.1); c.3521C>T, p.Thr1174Ile (NM_001382800.1); c.3503C>T, p.Thr1168Ile (NM_001382801.1); c.3449C>T, p.Thr1150Ile (NM_001382802.1); and 16 more; short protein forms T1168I, T1184I, T1220I, T1236I, T1246I, T1263I, T1207I, T1222I.
Identifiers: ClinVar variation 3650163 (VCV003650163.2).